The following is an entry in ClinVar:

NM_003579.4(RAD54L):c.433G>C (p.Val145Leu)

Gene: RAD54L (RAD54 like; plus strand). Cytogenetic location: 1p34.1.
Variant type: single nucleotide variant.
Coding change: c.433G>C on transcript NM_003579.4 (MANE Select); coding-DNA position 433, G replaced by C.
Protein change: p.Val145Leu; replaces valine 145 with leucine.
Molecular consequence: missense variant. On other transcripts: 5 prime UTR variant (1).
Genome position (GRCh38, 1-based): chr1:46,260,567, G>C. VCF-style: chr1-46260567-G-C. GRCh37 (hg19) VCF-style: chr1-46726239-G-C.
Other names: c.433G>C, p.Val145Leu (NM_001142548.2); c.-108G>C (NM_001370766.1); short protein forms V145L.
Identifiers: ClinVar variation 1739852 (VCV001739852.3), dbSNP rs764812486, ClinGen allele CA834254.

ClinVar aggregate classification (germline): Uncertain significance (1 of 4 stars; one submission).

Allele frequency attached by ClinVar (database versions not stated): gnomAD exomes below 0.00001; ExAC 0.00001.
gnomAD v4.1: 2 of 1,614,182 alleles (0.00012%); highest among the groups gnomAD compares: Non-Finnish European, 0.00017%; no homozygotes.

Submission:

Ambry Genetics
Classification: Uncertain significance. Last evaluated: 2024-06-12. Review status: criteria provided, single submitter. Criteria: Ambry Variant Classification Scheme 2023. Collection method: clinical testing. Allele origin: germline.
Comment: The p.V145L variant (also known as c.433G>C), located in coding exon 6 of the RAD54L gene, results from a G to C substitution at nucleotide position 433. The valine at codon 145 is replaced by leucine, an amino acid with highly similar properties. This amino acid position is conserved. In addition, the in silico prediction for this alteration is inconclusive. Since supporting evidence is limited at this time, the clinical significance of this alteration remains unclear.